The following is an entry in ClinVar:

NM_001429.4(EP300):c.2321G>A (p.Gly774Glu)

Gene: EP300 (EP300 lysine acetyltransferase; plus strand). Cytogenetic location: 22q13.2.
Variant type: single nucleotide variant.
Coding change: c.2321G>A on transcript NM_001429.4 (MANE Select); coding-DNA position 2321, G replaced by A.
Protein change: p.Gly774Glu; replaces glycine 774 with glutamic acid.
Molecular consequence: missense variant.
Genome position (GRCh38, 1-based): chr22:41,149,117, G>A. VCF-style: chr22-41149117-G-A. GRCh37 (hg19) VCF-style: chr22-41545121-G-A.
Other names: c.2243G>A, p.Gly748Glu (NM_001362843.2); short protein forms G748E, G774E.
Identifiers: ClinVar variation 5009847 (VCV005009847.1).
Genomic context (GRCh38, chr22:41,149,117, plus strand): 5'-GTATGCAACAGCCTTCCAACCAGGGCCAGTTCCTTCCTCAGACTCAGTTCCCATCACAGG[G>A]AATGAATGTAACAAATATCCCTTTGGCTCCGTCCAGCGGTCAAGCTCCAGTGTCTCAAGT-3'
Protein context (NP_001420.2, residues 764-784): FLPQTQFPSQ[Gly774Glu]MNVTNIPLAP

ClinVar aggregate classification (germline): Uncertain significance (1 of 4 stars; one submission).

Submission:

GeneDx
Classification: Uncertain significance. Last evaluated: 2026-02-20. Review status: criteria provided, single submitter. Criteria: GeneDx Variant Classification Process June 2021. Collection method: clinical testing. Allele origin: germline.
Comment: Not observed at significant frequency in large population cohorts (gnomAD); In silico analysis supports that this missense variant has a deleterious effect on protein structure/function; Has not been previously published as pathogenic or benign to our knowledge